The following is an entry in ClinVar:

ClinVar aggregate classification (germline): Likely benign. Review status: criteria provided, multiple submitters, no conflicts (2 of 4 stars). 3 submissions from 3 submitters: Likely benign (3). Last evaluated 2025-07-17.

Allele frequency attached by ClinVar (database versions not stated): gnomAD 0.00005; TOPMed 0.00006; gnomAD exomes 0.00007 and 0.00008; ESP Exome Variant Server 0.00008; ExAC 0.00011; 1000 Genomes Project 30x 0.00016; 1000 Genomes Project 0.00020.
gnomAD v4.1: 106 of 1,548,314 alleles (0.0068%); highest among the groups gnomAD compares: Admixed American, 0.02%; no homozygotes.

Submissions (3):

Labcorp Genetics (formerly Invitae), Labcorp
Classification: Likely benign. Last evaluated: 2025-07-17. Review status: criteria provided, single submitter. Criteria: Invitae Variant Classification Sherloc (09022015). Collection method: clinical testing. Allele origin: germline.

Blueprint Genetics
Classification: Likely benign. Last evaluated: 2024-09-17. Review status: criteria provided, single submitter. Criteria: ACMG Guidelines, 2015. Collection method: clinical testing. Allele origin: germline.

GeneDx
Classification: Likely benign. Last evaluated: 2017-04-24. Review status: criteria provided, single submitter. Criteria: GeneDx Variant Classification (06012015). Collection method: clinical testing. Allele origin: germline. Affected: yes.
Comment: This variant is considered likely benign or benign based on one or more of the following criteria: it is a conservative change, it occurs at a poorly conserved position in the protein, it is predicted to be benign by multiple in silico algorithms, and/or has population frequency not consistent with disease.

NM_018341.3(ERMARD):c.6+19C>T

Gene: ERMARD (ER membrane associated RNA degradation; plus strand). Cytogenetic location: 6q27.
Variant type: single nucleotide variant.
Coding change: c.6+19C>T on transcript NM_018341.3 (MANE Select); 19 bases into the intron after coding-DNA position 6, C replaced by T.
Molecular consequence: intron variant.
Genome position (GRCh38, 1-based): chr6:169,751,682, C>T. VCF-style: chr6-169751682-C-T. GRCh37 (hg19) VCF-style: chr6-170151778-C-T.
Other names: c.6+19C>T (NM_001278531.2, NM_001278533.2); c.-204+19C>T (NM_001278532.2).
Identifiers: ClinVar variation 509163 (VCV000509163.4), dbSNP rs373555798, ClinGen allele CA4105692.